The following is an entry in ClinVar:

NM_000214.3(JAG1):c.295A>G (p.Thr99Ala)

Gene: JAG1 (jagged canonical Notch ligand 1; minus strand). Cytogenetic location: 20p12.2.
Variant type: single nucleotide variant.
Coding change: c.295A>G on transcript NM_000214.3 (MANE Select); coding-DNA position 295, A replaced by G.
Protein change: p.Thr99Ala; replaces threonine 99 with alanine.
Molecular consequence: missense variant.
Genome position (GRCh38, 1-based): chr20:10,672,793, T>C on the plus strand (A>G on the coding strand, the complement: JAG1 is on the minus strand). VCF-style: chr20-10672793-T-C. GRCh37 (hg19) VCF-style: chr20-10653441-T-C.
Other names: short protein forms T99A.
Identifiers: ClinVar variation 3573267 (VCV003573267.2).

Conditions:
Arteriohepatic dysplasia. Also called: Alagille Syndrome. Identifiers: Orphanet 52, MedGen C0085280, MeSH D016738, MONDO:0007318.

Submission:

Gilbert/Spinner Lab, Children's Hospital of Philadelphia
No classification provided (evidence only). Condition: Alagille syndrome. Review status: no classification provided. Collection method: research. Allele origin: not applicable. Functional consequence: functionally_abnormal.
ClinVar note: "not provided" was previously submitted as the classification for the variant. However, the classification appeared to be based only on an observation of functional data so it was converted to no classification on 2025-07-30.